The following is an entry in ClinVar:

ClinVar aggregate classification (germline): Uncertain significance (1 of 4 stars; one submission).

Conditions:
Inborn genetic diseases. Identifiers: MedGen C0950123, MeSH D030342.

Submission:

Ambry Genetics
Classification: Uncertain significance for Inborn genetic diseases. Last evaluated: 2024-03-13. Review status: criteria provided, single submitter. Criteria: Ambry Variant Classification Scheme 2023. Collection method: clinical testing. Allele origin: germline.
Comment: The p.L628H variant (also known as c.1883T>A), located in coding exon 12 of the EPAS1 gene, results from a T to A substitution at nucleotide position 1883. The leucine at codon 628 is replaced by histidine, an amino acid with similar properties. This amino acid position is conserved. In addition, this alteration is predicted to be deleterious by in silico analysis. Since supporting evidence is limited at this time, the clinical significance of this alteration remains unclear.

NM_001430.5(EPAS1):c.1883T>A (p.Leu628His)

Gene: EPAS1 (endothelial PAS domain protein 1; plus strand). Cytogenetic location: 2p21.
Variant type: single nucleotide variant.
Coding change: c.1883T>A on transcript NM_001430.5 (MANE Select); coding-DNA position 1883, T replaced by A.
Protein change: p.Leu628His; replaces leucine 628 with histidine.
Molecular consequence: missense variant.
Genome position (GRCh38, 1-based): chr2:46,380,555, T>A. VCF-style: chr2-46380555-T-A. GRCh37 (hg19) VCF-style: chr2-46607694-T-A.
Other names: short protein forms L628H.
Identifiers: ClinVar variation 1781935 (VCV001781935.2), dbSNP rs2546477512, ClinGen allele CA346705076.